The following is an entry in ClinVar:

NM_001377334.1(PIK3C2B):c.2880C>T (p.Asp960=)

Gene: PIK3C2B (phosphatidylinositol-4-phosphate 3-kinase catalytic subunit type 2 beta; minus strand). Cytogenetic location: 1q32.1.
Variant type: single nucleotide variant.
Coding change: c.2880C>T on transcript NM_001377334.1 (MANE Select); coding-DNA position 2880, C replaced by T.
Protein change: p.Asp960=; no amino-acid change (aspartic acid 960 retained).
Molecular consequence: synonymous variant.
Genome position (GRCh38, 1-based): chr1:204,443,585, G>A on the plus strand (C>T on the coding strand, the complement: PIK3C2B is on the minus strand). VCF-style: chr1-204443585-G-A. GRCh37 (hg19) VCF-style: chr1-204412713-G-A.
Other names: c.2796C>T, p.Asp932= (NM_001377335.1); c.2880C>T, p.Asp960= (NM_002646.4).
Identifiers: ClinVar variation 4989099 (VCV004989099.1).

ClinVar aggregate classification (germline): Likely benign (1 of 4 stars; one submission).

Conditions:
PIK3C2B-related disorder. Also called: PIK3C2B-related condition.

gnomAD v4.1: 40 of 1,614,010 alleles (0.0025%); highest among the groups gnomAD compares: Admixed American, 0.01%; no homozygotes.

Submission:

PreventionGenetics, part of Exact Sciences
Classification: Likely benign for PIK3C2B-related condition. Last evaluated: 2026-01-29. Review status: criteria provided, single submitter. Criteria: ACMG Guidelines, 2015. Collection method: clinical testing. Allele origin: germline.
Comment: This variant is classified as likely benign based on ACMG/AMP sequence variant interpretation guidelines (Richards et al. 2015 PMID: 25741868, with internal and published modifications).